The following is an entry in ClinVar:

NM_013275.6(ANKRD11):c.1856T>G (p.Val619Gly)

Gene: ANKRD11 (ankyrin repeat domain containing 11; minus strand). Cytogenetic location: 16q24.3.
Variant type: single nucleotide variant.
Coding change: c.1856T>G on transcript NM_013275.6 (MANE Select); coding-DNA position 1856, T replaced by G.
Protein change: p.Val619Gly; replaces valine 619 with glycine.
Molecular consequence: missense variant.
Genome position (GRCh38, 1-based): chr16:89,284,686, A>C on the plus strand (T>G on the coding strand, the complement: ANKRD11 is on the minus strand). VCF-style: chr16-89284686-A-C. GRCh37 (hg19) VCF-style: chr16-89351094-A-C.
Other names: c.1856T>G, p.Val619Gly (NM_001256182.2, NM_001256183.2); short protein forms V619G.
Identifiers: ClinVar variation 3365938 (VCV003365938.1).
Genomic context (GRCh38, chr16:89,284,686, plus strand): 5'-TTGTGTTTGTGTTTTGTTTTATGTTTTTTGACAACTTTCCCCTCCTTGTCCAGTTTGGGG[A>C]CAGCGCCCTCCGCGCTGGACAGGAAGGGGCTCTTCTTCTCCGACAGGGAGGCTCGCTTCC-3'
Protein context (NP_037407.4, residues 609-629): SPFLSSAEGA[Val619Gly]PKLDKEGKVV

ClinVar aggregate classification (germline): Uncertain significance (1 of 4 stars; one submission).

Submission:

GeneDx
Classification: Uncertain significance. Last evaluated: 2023-12-24. Review status: criteria provided, single submitter. Criteria: GeneDx Variant Classification Process June 2021. Collection method: clinical testing. Allele origin: germline. Affected: yes.
Comment: Has not been previously published as pathogenic or benign to our knowledge; Not observed at significant frequency in large population cohorts (gnomAD); In silico analysis supports that this missense variant has a deleterious effect on protein structure/function